The following is an entry in ClinVar:

NC_000009.12:g.(?_6558539)_(6558704_?)del

Gene: GLDC (glycine decarboxylase; minus strand). Cytogenetic location: 9p24.1.
Variant type: Deletion.
Identifiers: ClinVar variation 830742 (VCV000830742.3).

ClinVar aggregate classification (germline): Likely pathogenic (1 of 4 stars; one submission).

Conditions:
Glycine encephalopathy. Also called: Nonketotic hyperglycinemia; Non-ketotic hyperglycinemia. Identifiers: Orphanet 407, MedGen C0751748, MONDO:0011612, HP:0008288.

Submission:

Labcorp Genetics (formerly Invitae), Labcorp
Classification: Likely pathogenic for Glycine encephalopathy. Last evaluated: 2019-10-11. Review status: criteria provided, single submitter. Criteria: Invitae Variant Classification Sherloc (09022015). Collection method: clinical testing. Allele origin: germline.
Comment: This variant has not been reported in the literature in individuals with GLDC-related conditions. This variant is an in-frame deletion of the genomic region encompassing exon 17 of the GLDC gene. It preserves the integrity of the reading frame. This variant disrupts the p.Ser657 amino acid residue in GLDC. Other variant(s) that disrupt this residue have been determined to be pathogenic (PMID: 27362913, 26179960). This suggests that this residue is clinically significant, and that variants that disrupt this residue are likely to be disease-causing In summary, the currently available evidence indicates that the variant is pathogenic, but additional data are needed to prove that conclusively. Therefore, this variant has been classified as Likely Pathogenic.

Literature cited by the submitters: PubMed 27362913; PubMed 26179960.